The following is an entry in ClinVar:

NM_002473.6(MYH9):c.5275-10del

Gene: MYH9 (myosin heavy chain 9; minus strand). Cytogenetic location: 22q12.3.
Variant type: Deletion.
Coding change: c.5275-10del on transcript NM_002473.6 (MANE Select); 10 bases into the intron before coding-DNA position 5275, one base deleted (T; older notation c.5275-10delT).
Molecular consequence: intron variant.
Genome position (GRCh38, 1-based): chr22:36,285,339, A deleted on the plus strand (T on the coding strand, the reverse complement: MYH9 is on the minus strand); the first of 2 consecutive A bases (chr22:36,285,339-36,285,340); deleting either gives the same sequence. VCF-style (leftmost placement, unchanged base first): chr22-36285338-GA-G. GRCh37 (hg19) VCF-style: chr22-36681384-GA-G.
Other names: p.?; c.5275-10del (NM_002473.5).
Identifiers: ClinVar variation 179621 (VCV000179621.23), dbSNP rs552643559, ClinGen allele CA184795.

ClinVar aggregate classification (germline): Benign/Likely benign. Review status: criteria provided, multiple submitters, no conflicts (2 of 4 stars). 7 submissions from 7 submitters: Benign (3); Likely benign (4). Last evaluated 2026-01-06.

Conditions:
Macrothrombocytopenia and granulocyte inclusions with or without nephritis or sensorineural hearing loss (MATINS). Also called: BLEEDING DISORDER, PLATELET-TYPE, 6; DOHLE LEUKOCYTE INCLUSIONS WITH GIANT PLATELETS; MACROTHROMBOCYTOPENIA WITH LEUKOCYTE INCLUSIONS; SEBASTIAN PLATELET SYNDROME; MACROTHROMBOCYTOPENIA WITH DISPERSED LEUKOCYTIC INCLUSIONS; MACROTHROMBOCYTOPENIA, NEPHRITIS, AND DEAFNESS. Identifiers: Orphanet 182050, MedGen C5200934, MONDO:0015912, OMIM 155100.
Autosomal dominant nonsyndromic hearing loss 17. Also called: Deafness, autosomal dominant 17; Autosomal dominant nonsyndromic deafness 17. Identifiers: Orphanet 90635, MedGen C1863659, MONDO:0011350, OMIM 603622.

Submissions (7):

Labcorp Genetics (formerly Invitae), Labcorp
Classification: Benign. Last evaluated: 2026-01-06. Review status: criteria provided, single submitter. Criteria: Invitae Variant Classification Sherloc (09022015). Collection method: clinical testing. Allele origin: germline.

Blueprint Genetics
Classification: Likely benign. Last evaluated: 2024-09-23. Review status: criteria provided, single submitter. Criteria: ACMG Guidelines, 2015. Collection method: clinical testing. Allele origin: germline.

Mayo Clinic Laboratories, Mayo Clinic
Classification: Likely benign. Last evaluated: 2024-06-11. Review status: criteria provided, single submitter. Criteria: ACMG Guidelines, 2015. Collection method: clinical testing. Allele origin: germline. Observed: 5 variant alleles.
Comment: BS1, BP4, BP7

GeneDx
Classification: Likely benign. Last evaluated: 2022-10-12. Review status: criteria provided, single submitter. Criteria: GeneDx Variant Classification Process June 2021. Collection method: clinical testing. Allele origin: germline. Affected: yes.
Comment: See Variant Classification Assertion Criteria.

Fulgent Genetics
Classification: Likely benign for Macrothrombocytopenia and granulocyte inclusions with or without nephritis or sensorineural hearing loss; Autosomal dominant nonsyndromic hearing loss 17. Last evaluated: 2021-08-25. Review status: criteria provided, single submitter. Criteria: ACMG Guidelines, 2015. Collection method: clinical testing. Allele origin: unknown.

Eurofins Ntd Llc (ga)
Classification: Benign. Last evaluated: 2016-07-28. Review status: criteria provided, single submitter. Criteria: EGL Classification Definitions 2015. Collection method: clinical testing. Allele origin: germline. Observed: 1 variant allele.

Laboratory for Molecular Medicine, Mass General Brigham Personalized Medicine
Classification: Benign. Last evaluated: 2014-02-20. Review status: criteria provided, single submitter. Criteria: LMM Criteria. Collection method: clinical testing. Allele origin: germline. Observed: 3 variant alleles.
Comment: 5275-10delT in intron 37 of MYH9: This variant is not expected to have clinical significance because it has been identified in 1.1% (47/4264) of African America n chromosomes by the NHLBI Exome Sequencing Project (u/EVS/).